The following is an entry in ClinVar:

ClinVar aggregate classification (germline): Pathogenic. Review status: criteria provided, single submitter (1 of 4 stars). 3 submissions from 3 submitters: Pathogenic (1). 2 of the submissions do not count toward it. Last evaluated 2025-04-18.

Conditions:
Myofibrillar myopathy 2. Also called: MYOPATHY, MYOFIBRILLAR, WITH OR WITHOUT CATARACT AND/OR CARDIOMYOPATHY; MYOPATHY, MYOFIBRILLAR, 2A, ADULT-ONSET; MYOPATHY, DESMIN-RELATED, ASSOCIATED WITH MUTATION IN THE CRYAB GENE; MYOPATHY, MYOFIBRILLAR, ALPHA-B CRYSTALLIN-RELATED. Identifiers: Orphanet 280553, Orphanet 399058, MedGen C1837317, MONDO:0012130.

Submissions (3):

GeneDx
Classification: Pathogenic. Last evaluated: 2025-04-18. Review status: criteria provided, single submitter. Criteria: GeneDx Variant Classification Process June 2021. Collection method: clinical testing. Allele origin: germline. Affected: yes.
Comment: Frameshift variant predicted to result in protein truncation or nonsense mediated decay in a gene for which loss of function is a known mechanism of disease; Not observed at significant frequency in large population cohorts (gnomAD); This variant is associated with the following publications: (PMID: 31215171, 36727013, 21337604)

OMIM
Classification: Pathogenic for MYOPATHY, MYOFIBRILLAR, 2B, INFANTILE-ONSET. Last evaluated: 2011-05-01. Review status: no assertion criteria provided. Collection method: literature only. Allele origin: germline. Not counted in ClinVar's aggregate classification.

GeneReviews
No classification provided. Condition: Myofibrillar myopathy 2. Review status: no classification provided. Collection method: literature only. Allele origin: unknown. Not counted in ClinVar's aggregate classification.

Literature cited by the submitters: PubMed 8000975 (cited by OMIM); PubMed 21337604 (cited by OMIM); PubMed 20301672 (cited by GeneReviews); NCBI Bookshelf NBK1499 (cited by GeneReviews).

NM_001289808.2(CRYAB):c.60del (p.Ser21fs)

Gene: CRYAB (crystallin alpha B; minus strand). Cytogenetic location: 11q23.1.
Variant type: Deletion.
Coding change: c.60del on transcript NM_001289808.2 (MANE Select); coding-DNA position 60, one base deleted (C; older notation c.60delC).
Protein change: p.Ser21fs; shifts the reading frame from serine 21.
Molecular consequence: frameshift variant.
Genome position (GRCh38, 1-based): chr11:111,911,665, G deleted on the plus strand (C on the coding strand, the reverse complement: CRYAB is on the minus strand); the first of 5 consecutive G bases (chr11:111,911,665-111,911,669); deleting any one gives the same sequence. VCF-style (leftmost placement, unchanged base first): chr11-111911664-TG-T. GRCh37 (hg19) VCF-style: chr11-111782388-TG-T.
Other names: c.60del (NM_001885.1); c.60del, p.Ser21fs (NM_001289807.1, NM_001368245.1, NM_001885.3); c.60delC (NM_001885.1); short protein forms S21fs.
Identifiers: ClinVar variation 29669 (VCV000029669.5), dbSNP rs281865141, ClinGen allele CA344702.